The following is an entry in ClinVar:

NM_003274.5(TRAPPC10):c.3028G>A (p.Val1010Ile)

Gene: TRAPPC10 (trafficking protein particle complex subunit 10; plus strand). Cytogenetic location: 21q22.3.
Variant type: single nucleotide variant.
Coding change: c.3028G>A on transcript NM_003274.5 (MANE Select); coding-DNA position 3028, G replaced by A.
Protein change: p.Val1010Ile; replaces valine 1010 with isoleucine.
Molecular consequence: missense variant.
Genome position (GRCh38, 1-based): chr21:44,094,093, G>A. VCF-style: chr21-44094093-G-A. GRCh37 (hg19) VCF-style: chr21-45513974-G-A.
Other names: c.1627G>A, p.Val543Ile (NM_001351709.1); short protein forms V1010I, V543I.
Identifiers: ClinVar variation 3051846 (VCV003051846.2), dbSNP rs143166326, ClinGen allele CA10051037.

ClinVar aggregate classification (germline): Likely benign (0 of 4 stars; one submission).

Conditions:
TRAPPC10-related disorder. Also called: TRAPPC10-related condition.

Allele frequency attached by ClinVar (database versions not stated): 1000 Genomes Project 0.00040; ExAC 0.00041; 1000 Genomes Project 30x 0.00047; ESP Exome Variant Server 0.00054; gnomAD 0.00057; TOPMed 0.00057.
gnomAD v4.1: 384 of 1,614,014 alleles (0.024%); highest among the groups gnomAD compares: South Asian, 0.2%; no homozygotes.

Submission:

PreventionGenetics, part of Exact Sciences
Classification: Likely benign for TRAPPC10-related condition. Last evaluated: 2023-02-28. Review status: no assertion criteria provided. Collection method: clinical testing. Allele origin: germline.
Comment: This variant is classified as likely benign based on ACMG/AMP sequence variant interpretation guidelines (Richards et al. 2015 PMID: 25741868, with internal and published modifications).